The following is an entry in ClinVar:

NM_001130987.2(DYSF):c.6251G>A (p.Trp2084Ter)

Gene: DYSF (dysferlin; plus strand). Cytogenetic location: 2p13.2.
Variant type: single nucleotide variant.
Coding change: c.6251G>A on transcript NM_001130987.2 (MANE Select); coding-DNA position 6251, G replaced by A.
Protein change: p.Trp2084Ter; replaces tryptophan 2084 with a stop codon.
Molecular consequence: nonsense.
Genome position (GRCh38, 1-based): chr2:71,682,607, G>A. VCF-style: chr2-71682607-G-A. GRCh37 (hg19) VCF-style: chr2-71909737-G-A.
Other names: c.6137G>A, p.Trp2046Ter (NM_001130455.2); c.6092G>A, p.Trp2031Ter (NM_001130976.2); c.6155G>A, p.Trp2052Ter (NM_001130977.2); c.6197G>A, p.Trp2066Ter (NM_001130978.2); c.6227G>A, p.Trp2076Ter (NM_001130979.2); c.6185G>A, p.Trp2062Ter (NM_001130980.2); c.6248G>A, p.Trp2083Ter (NM_001130981.2); c.6230G>A, p.Trp2077Ter (NM_001130982.2); and 5 more; short protein forms W2045*, W2084*, W2053*, W2066*, W2046*, W2063*, W2077*, W2031*.
Identifiers: ClinVar variation 551775 (VCV000551775.7), dbSNP rs1553422709, ClinGen allele CA347227214.

ClinVar aggregate classification (germline): Pathogenic/Likely pathogenic. Review status: criteria provided, multiple submitters, no conflicts (2 of 4 stars). 3 submissions from 3 submitters: Pathogenic (1); Likely pathogenic (1). 1 of the submissions does not count toward it. Last evaluated 2024-02-24.

Conditions:
Neuromuscular disease caused by qualitative or quantitative defects of dysferlin. Also called: Qualitative or quantitative defects of dysferlin; Dysferlinopathy. Identifiers: Orphanet 207073, MedGen C2931687, MONDO:0016145.
Autosomal recessive limb-girdle muscular dystrophy type 2B (LGMDR2). Also called: Limb-Girdle Muscular Dystrophy Type 2B (LGMD2B); MUSCULAR DYSTROPHY, LIMB-GIRDLE, AUTOSOMAL RECESSIVE 2; MUSCULAR DYSTROPHY, LIMB-GIRDLE, TYPE 3; Limb-girdle muscular dystrophy, type 2B. Identifiers: Orphanet 268, MedGen C1850889, MONDO:0009676, OMIM 253601.
Miyoshi muscular dystrophy 1 (MMD1). Identifiers: Orphanet 45448, MedGen C4551973, MONDO:0024545, OMIM 254130.

Allele frequency attached by ClinVar (database versions not stated): TOPMed 0.00001.
gnomAD v4.1: 1 of 1,614,114 alleles (0.000062%); highest among the groups gnomAD compares: Non-Finnish European, 0.000085%; no homozygotes.

Submissions (3):

Baylor Genetics
Classification: Likely pathogenic for Miyoshi muscular dystrophy 1. Last evaluated: 2024-02-24. Review status: criteria provided, single submitter. Criteria: ACMG Guidelines, 2015. Collection method: clinical testing. Allele origin: unknown.

Labcorp Genetics (formerly Invitae), Labcorp
Classification: Pathogenic for Neuromuscular disease caused by qualitative or quantitative defects of dysferlin. Last evaluated: 2023-01-21. Review status: criteria provided, single submitter. Criteria: Invitae Variant Classification Sherloc (09022015). Collection method: clinical testing. Allele origin: germline.
Comment: This sequence change creates a premature translational stop signal (p.Trp2045*) in the DYSF gene. It is expected to result in an absent or disrupted protein product. Loss-of-function variants in DYSF are known to be pathogenic (PMID: 17698709, 20301480). This variant is not present in population databases (gnomAD no frequency). This premature translational stop signal has been observed in individual(s) with clinical features of DYSF-related conditions (PMID: 32400077). ClinVar contains an entry for this variant (Variation ID: 551775). For these reasons, this variant has been classified as Pathogenic.

Counsyl
Classification: Likely pathogenic for Autosomal recessive limb-girdle muscular dystrophy type 2B. Last evaluated: 2017-10-09. Review status: no assertion criteria provided. Collection method: clinical testing. Allele origin: unknown. Not counted in ClinVar's aggregate classification.

Literature cited by the submitters: PubMed 17698709 (cited by Labcorp Genetics (formerly Invitae), Labcorp); PubMed 20301480 (cited by Labcorp Genetics (formerly Invitae), Labcorp); PubMed 32400077 (cited by Labcorp Genetics (formerly Invitae), Labcorp).